The following is an entry in ClinVar:

NM_000384.3(APOB):c.8083G>T (p.Asp2695Tyr)

Gene: APOB (apolipoprotein B; minus strand). Cytogenetic location: 2p24.1.
Variant type: single nucleotide variant.
Coding change: c.8083G>T on transcript NM_000384.3 (MANE Select); coding-DNA position 8083, G replaced by T.
Protein change: p.Asp2695Tyr; replaces aspartic acid 2695 with tyrosine.
Molecular consequence: missense variant.
Genome position (GRCh38, 1-based): chr2:21,008,785, C>A on the plus strand (G>T on the coding strand, the complement: APOB is on the minus strand). VCF-style: chr2-21008785-C-A. GRCh37 (hg19) VCF-style: chr2-21231657-C-A.
Other names: c.8083G>T (NM_000384.2); short protein forms D2695Y.
Identifiers: ClinVar variation 2927302 (VCV002927302.4), dbSNP rs1438119530, ClinGen allele CA345995471.

ClinVar aggregate classification (germline): Conflicting classifications of pathogenicity. Review status: criteria provided, conflicting classifications (1 of 4 stars). 2 submissions from 2 submitters: Uncertain significance (1); Likely benign (1). Last evaluated 2026-01-18.

Conditions:
Hypercholesterolemia, autosomal dominant, type B (FHCL2). Also called: APOB-Related Familial Hypercholesterolemia, Autosomal Dominant; Familial Hypercholesterolemia Type B; APOLIPOPROTEIN B-100, FAMILIAL DEFECTIVE; APOLIPOPROTEIN B-100, FAMILIAL LIGAND-DEFECTIVE; HYPERCHOLESTEROLEMIA, FAMILIAL, DUE TO LIGAND-DEFECTIVE APOLIPOPROTEIN B; Hyperlipoproteinemia Type IIb. Identifiers: MedGen C1704417, MONDO:0007751, OMIM 144010.
Familial hypobetalipoproteinemia 1. Also called: Hypobetalipoproteinemia, normotriglyceridemic; Acanthocytosis with hypobetalipoproteinemia; APOB-Related Familial Hypobetalipoproteinemia. Identifiers: MedGen C4551990, MONDO:0014252, OMIM 615558.

Allele frequency attached by ClinVar (database versions not stated): gnomAD exomes below 0.00001; gnomAD 0.00001.
gnomAD v4.1: 4 of 1,613,930 alleles (0.00025%); highest among the groups gnomAD compares: East Asian, 0.0045%; no homozygotes.

Submissions (2):

Labcorp Genetics (formerly Invitae), Labcorp
Classification: Likely benign for Familial hypobetalipoproteinemia 1; Hypercholesterolemia, autosomal dominant, type B. Last evaluated: 2026-01-18. Review status: criteria provided, single submitter. Criteria: Invitae Variant Classification Sherloc (09022015). Collection method: clinical testing. Allele origin: germline.

GeneDx
Classification: Uncertain significance. Last evaluated: 2025-03-25. Review status: criteria provided, single submitter. Criteria: GeneDx Variant Classification Process June 2021. Collection method: clinical testing. Allele origin: germline. Affected: yes.
Comment: Not observed at significant frequency in large population cohorts (gnomAD); In silico analysis supports that this missense variant has a deleterious effect on protein structure/function; Has not been previously published as pathogenic or benign to our knowledge